The following is an entry in ClinVar:

NM_021969.3(NR0B2):c.435G>A (p.Ala145=)

Genes: NR0B2 (nuclear receptor subfamily 0 group B member 2; minus strand), NUDC (nuclear distribution C, dynein complex regulator; plus strand). Cytogenetic location: 1p36.11.
Variant type: single nucleotide variant.
Coding change: c.435G>A on transcript NM_021969.3 (MANE Select); coding-DNA position 435, G replaced by A.
Protein change: p.Ala145=; no amino-acid change (alanine 145 retained).
Molecular consequence: synonymous variant.
Genome position (GRCh38, 1-based): chr1:26,913,506, C>T on the plus strand (G>A on the coding strand, the complement: NR0B2 is on the minus strand). VCF-style: chr1-26913506-C-T. GRCh37 (hg19) VCF-style: chr1-27239997-C-T.
Identifiers: ClinVar variation 3034927 (VCV003034927.3), dbSNP rs148569409, ClinGen allele CA709646.

ClinVar aggregate classification (germline): Uncertain significance. Review status: criteria provided, single submitter (1 of 4 stars). 2 submissions from 2 submitters: Uncertain significance (1). 1 of the submissions does not count toward it. Last evaluated 2024-08-19.

Conditions:
NR0B2-related disorder. Also called: NR0B2-related condition.

Allele frequency attached by ClinVar (database versions not stated): ESP Exome Variant Server 0.00015; 1000 Genomes Project 30x 0.00016; 1000 Genomes Project 0.00020.
gnomAD v4.1: 151 of 1,613,452 alleles (0.0094%); highest among the groups gnomAD compares: East Asian, 0.011%; no homozygotes.

Submissions (2):

Blueprint Genetics
Classification: Uncertain significance. Last evaluated: 2024-08-19. Review status: criteria provided, single submitter. Criteria: ACMG Guidelines, 2015. Collection method: clinical testing. Allele origin: germline.

PreventionGenetics, part of Exact Sciences
Classification: Likely benign for NR0B2-related condition. Last evaluated: 2023-11-16. Review status: no assertion criteria provided. Collection method: clinical testing. Allele origin: germline. Not counted in ClinVar's aggregate classification.
Comment: This variant is classified as likely benign based on ACMG/AMP sequence variant interpretation guidelines (Richards et al. 2015 PMID: 25741868, with internal and published modifications).